The following is an entry in ClinVar:

ClinVar aggregate classification (germline): Uncertain significance (1 of 4 stars; one submission).

Conditions:
Hereditary sensory neuropathy-deafness-dementia syndrome. Also called: Hereditary Sensory and Autonomic Neuropathy Type 1E (HSAN1E); NEUROPATHY, HEREDITARY SENSORY, WITH HEARING LOSS AND DEMENTIA; HSN IE; Hereditary sensory neuropathy type IE. Identifiers: Orphanet 456318, MedGen C3279885, MONDO:0013584, OMIM 614116.

Submission:

Labcorp Genetics (formerly Invitae), Labcorp
Classification: Uncertain significance for Hereditary sensory neuropathy-deafness-dementia syndrome. Last evaluated: 2024-08-16. Review status: criteria provided, single submitter. Criteria: Invitae Variant Classification Sherloc (09022015). Collection method: clinical testing. Allele origin: germline.
Comment: This sequence change replaces glycine, which is neutral and non-polar, with arginine, which is basic and polar, at codon 1165 of the DNMT1 protein (p.Gly1165Arg). This variant is not present in population databases (gnomAD no frequency). This variant has not been reported in the literature in individuals affected with DNMT1-related conditions. Invitae Evidence Modeling of protein sequence and biophysical properties (such as structural, functional, and spatial information, amino acid conservation, physicochemical variation, residue mobility, and thermodynamic stability) indicates that this missense variant is expected to disrupt DNMT1 protein function with a positive predictive value of 80%. In summary, the available evidence is currently insufficient to determine the role of this variant in disease. Therefore, it has been classified as a Variant of Uncertain Significance.

NM_001130823.3(DNMT1):c.3493G>A (p.Gly1165Arg)

Gene: DNMT1 (DNA methyltransferase 1; minus strand). Cytogenetic location: 19p13.2.
Variant type: single nucleotide variant.
Coding change: c.3493G>A on transcript NM_001130823.3 (MANE Select); coding-DNA position 3493, G replaced by A.
Protein change: p.Gly1165Arg; replaces glycine 1165 with arginine.
Molecular consequence: missense variant.
Genome position (GRCh38, 1-based): chr19:10,140,811, C>T on the plus strand (G>A on the coding strand, the complement: DNMT1 is on the minus strand). VCF-style: chr19-10140811-C-T. GRCh37 (hg19) VCF-style: chr19-10251487-C-T.
Other names: c.3445G>A, p.Gly1149Arg (NM_001318730.2, NM_001379.4); c.3130G>A, p.Gly1044Arg (NM_001318731.2); short protein forms G1165R, G1044R, G1149R.
Identifiers: ClinVar variation 3667961 (VCV003667961.2).